The following is an entry in ClinVar:

NM_006785.4(MALT1):c.887G>A (p.Arg296Gln)

Gene: MALT1 (MALT1 paracaspase; plus strand). Cytogenetic location: 18q21.32.
Variant type: single nucleotide variant.
Coding change: c.887G>A on transcript NM_006785.4 (MANE Select); coding-DNA position 887, G replaced by A.
Protein change: p.Arg296Gln; replaces arginine 296 with glutamine.
Molecular consequence: missense variant.
Genome position (GRCh38, 1-based): chr18:58,710,034, G>A. VCF-style: chr18-58710034-G-A. GRCh37 (hg19) VCF-style: chr18-56377266-G-A.
Other names: c.887G>A, p.Arg296Gln (NM_173844.3); short protein forms R296Q.
Identifiers: ClinVar variation 1012440 (VCV001012440.44), dbSNP rs753977115, ClinGen allele CA8977735.

ClinVar aggregate classification (germline): Uncertain significance. Review status: criteria provided, multiple submitters, no conflicts (2 of 4 stars). 2 submissions from 2 submitters: Uncertain significance (2). Last evaluated 2023-12-11.

Conditions:
Combined immunodeficiency due to MALT1 deficiency. Also called: Immunodeficiency 12. Identifiers: Orphanet 397964, MedGen C3809583, MONDO:0014197, OMIM 615468.

Allele frequency attached by ClinVar (database versions not stated): ExAC 0.00001; TOPMed 0.00001; gnomAD exomes 0.00002 and 0.00003.
gnomAD v4.1: 40 of 1,612,238 alleles (0.0025%); highest among the groups gnomAD compares: Non-Finnish European, 0.003%; no homozygotes.

Submissions (2):

Labcorp Genetics (formerly Invitae), Labcorp
Classification: Uncertain significance for Combined immunodeficiency due to MALT1 deficiency. Last evaluated: 2023-12-11. Review status: criteria provided, single submitter. Criteria: Invitae Variant Classification Sherloc (09022015). Collection method: clinical testing. Allele origin: germline.
Comment: This sequence change replaces arginine, which is basic and polar, with glutamine, which is neutral and polar, at codon 296 of the MALT1 protein (p.Arg296Gln). This variant is present in population databases (rs753977115, gnomAD 0.006%). This variant has not been reported in the literature in individuals affected with MALT1-related conditions. ClinVar contains an entry for this variant (Variation ID: 1012440). Advanced modeling of protein sequence and biophysical properties (such as structural, functional, and spatial information, amino acid conservation, physicochemical variation, residue mobility, and thermodynamic stability) performed at Invitae indicates that this missense variant is not expected to disrupt MALT1 protein function with a negative predictive value of 80%. In summary, the available evidence is currently insufficient to determine the role of this variant in disease. Therefore, it has been classified as a Variant of Uncertain Significance.

CeGaT Center for Human Genetics Tuebingen
Classification: Uncertain significance. Last evaluated: 2020-12-01. Review status: criteria provided, single submitter. Criteria: CeGaT Center For Human Genetics Tuebingen Variant Classification Criteria Version 2. Collection method: clinical testing. Allele origin: germline. Affected: yes. Observed: 1 variant allele.